The following is an entry in ClinVar:

ClinVar aggregate classification (germline): Uncertain significance (1 of 4 stars; one submission).

Conditions:
Inborn genetic diseases. Identifiers: MedGen C0950123, MeSH D030342.

Submission:

Ambry Genetics
Classification: Uncertain significance for Inborn genetic diseases. Last evaluated: 2024-11-11. Review status: criteria provided, single submitter. Criteria: Ambry Variant Classification Scheme 2023. Collection method: clinical testing. Allele origin: germline.
Comment: The p.E28D variant (also known as c.84A>C), located in coding exon 1 of the LRRK2 gene, results from an A to C substitution at nucleotide position 84. The glutamic acid at codon 28 is replaced by aspartic acid, an amino acid with highly similar properties. This amino acid position is conserved. In addition, this alteration is predicted to be tolerated by in silico analysis. Based on the available evidence, the clinical significance of this variant remains unclear.

NM_198578.4(LRRK2):c.84A>C (p.Glu28Asp)

Gene: LRRK2 (leucine rich repeat kinase 2; plus strand). Cytogenetic location: 12q12.
Variant type: single nucleotide variant.
Coding change: c.84A>C on transcript NM_198578.4 (MANE Select); coding-DNA position 84, A replaced by C.
Protein change: p.Glu28Asp; replaces glutamic acid 28 with aspartic acid.
Molecular consequence: missense variant.
Genome position (GRCh38, 1-based): chr12:40,225,215, A>C. VCF-style: chr12-40225215-A-C. GRCh37 (hg19) VCF-style: chr12-40619017-A-C.
Other names: short protein forms E28D.
Identifiers: ClinVar variation 3540779 (VCV003540779.1).
Genomic context (GRCh38, chr12:40,225,215, plus strand): 5'-GTGCGAAGAGGACGAGGAAACTCTGAAGAAGTTGATAGTCAGGCTGAACAATGTCCAGGA[A>C]GGAAAACAGATAGAAACGCTGGTCCAAATCCTGGAGGATCTGCTGGTGTTCACGTACTCC-3'
Protein context (NP_940980.4, residues 18-38): KLIVRLNNVQ[Glu28Asp]GKQIETLVQI